The following is an entry in ClinVar:

ClinVar aggregate classification (germline): Uncertain significance. Review status: criteria provided, multiple submitters, no conflicts (2 of 4 stars). 2 submissions from 2 submitters: Uncertain significance (2). Last evaluated 2024-05-23.

Conditions:
Inborn genetic diseases. Identifiers: MedGen C0950123, MeSH D030342.
Epidermolysis bullosa simplex 3, localized or generalized intermediate, with BP230 deficiency (EBS3). Also called: Epidermolysis bullosa simplex, autosomal recessive 2; Epidermolysis bullosa simplex due to BP230 deficiency. Identifiers: Orphanet 412181, MedGen C3809470, MONDO:0014180, OMIM 615425.
Hereditary sensory and autonomic neuropathy type 6. Also called: Neuropathy, hereditary sensory and autonomic, type VI; HSAN VI. Identifiers: Orphanet 314381, MedGen C3539003, MONDO:0013839, OMIM 614653.

gnomAD v4.1: 42 of 1,613,984 alleles (0.0026%); highest among the groups gnomAD compares: Non-Finnish European, 0.0033%; no homozygotes.

Submissions (2):

Labcorp Genetics (formerly Invitae), Labcorp
Classification: Uncertain significance for Epidermolysis bullosa simplex 3, localized or generalized intermediate, with BP230 deficiency; Hereditary sensory and autonomic neuropathy type 6. Last evaluated: 2024-05-23. Review status: criteria provided, single submitter. Criteria: Invitae Variant Classification Sherloc (09022015). Collection method: clinical testing. Allele origin: germline.
Comment: This sequence change replaces arginine, which is basic and polar, with histidine, which is basic and polar, at codon 220 of the DST protein (p.Arg220His). This variant is present in population databases (rs765317346, gnomAD 0.003%). This variant has not been reported in the literature in individuals affected with DST-related conditions. ClinVar contains an entry for this variant (Variation ID: 933694). Algorithms developed to predict the effect of missense changes on protein structure and function output the following: SIFT: "Not Available"; PolyPhen-2: "Benign"; Align-GVGD: "Not Available". The histidine amino acid residue is found in multiple mammalian species, which suggests that this missense change does not adversely affect protein function. In summary, the available evidence is currently insufficient to determine the role of this variant in disease. Therefore, it has been classified as a Variant of Uncertain Significance.

Ambry Genetics
Classification: Uncertain significance for Inborn genetic diseases. Last evaluated: 2023-09-22. Review status: criteria provided, single submitter. Criteria: Ambry Variant Classification Scheme 2023. Collection method: clinical testing. Allele origin: germline.

NM_001374736.1(DST):c.2270G>A (p.Arg757His)

Gene: DST (dystonin; minus strand). Cytogenetic location: 6p12.1.
Variant type: single nucleotide variant.
Coding change: c.2270G>A on transcript NM_001374736.1 (MANE Select); coding-DNA position 2270, G replaced by A.
Protein change: p.Arg757His; replaces arginine 757 with histidine.
Molecular consequence: missense variant.
Genome position (GRCh38, 1-based): chr6:56,640,363, C>T on the plus strand (G>A on the coding strand, the complement: DST is on the minus strand). VCF-style: chr6-56640363-C-T. GRCh37 (hg19) VCF-style: chr6-56505161-C-T.
Other names: c.2171G>A, p.Arg724His (NM_001144769.5); c.1757G>A, p.Arg586His (NM_001144770.2); c.2270G>A, p.Arg757His (NM_001374722.1); c.1637G>A, p.Arg546His (NM_001374729.1, NM_001374730.1, NM_001386100.1 and 1 more transcripts); c.2297G>A, p.Arg766His (NM_001374734.1); c.659G>A, p.Arg220His (NM_001723.7, NM_015548.5); c.2171G>A (NM_001144769.2); short protein forms R766H, R546H, R724H, R220H, R586H, R757H.
Identifiers: ClinVar variation 933694 (VCV000933694.10), dbSNP rs765317346, ClinGen allele CA3871459.
Genomic context (GRCh38, chr6:56,640,363, plus strand): 5'-TTTGGAACTAATCCTGATGGGAAACCAGGTGTATAAGCTGGAGTGACAGATGGAGTCAGG[C>T]GGGAAGTCATCCCTGATGACAGGCCAGAAGTCATACTAGAAGAGGTTAGGGAAGGTGTTA-3'
Protein context (NP_001361665.1, residues 747-767): TSGLSSGMTS[Arg757His]LTPSVTPAYT